The following is an entry in ClinVar:

ClinVar aggregate classification (germline): Likely pathogenic (1 of 4 stars; one submission).

Conditions:
Skeletal overgrowth-craniofacial dysmorphism-hyperelastic skin-white matter lesions syndrome. Also called: Kosaki overgrowth syndrome; SKELETAL OVERGROWTH WITH FACIAL DYSMORPHISM, HYPERELASTIC SKIN, WHITE MATTER LESIONS, AND NEUROLOGIC DETERIORATION. Identifiers: Orphanet 477831, MedGen C4225270, MONDO:0014704, OMIM 616592.

Submission:

Institute of Human Genetics, University of Leipzig Medical Center
Classification: Likely pathogenic for Skeletal overgrowth-craniofacial dysmorphism-hyperelastic skin-white matter lesions syndrome. Last evaluated: 2025-03-04. Review status: criteria provided, single submitter. Criteria: ACMG Guidelines, 2015. Collection method: clinical testing. Allele origin: unknown. Inheritance: Autosomal dominant inheritance. Affected: yes.
Comment: Criteria applied: PM1,PM2,PS4_SUP,PM5_SUP,PP3

NM_002609.4(PDGFRB):c.2567A>T (p.Asn856Ile)

Gene: PDGFRB (platelet derived growth factor receptor beta; minus strand). Cytogenetic location: 5q32.
Variant type: single nucleotide variant.
Coding change: c.2567A>T on transcript NM_002609.4 (MANE Select); coding-DNA position 2567, A replaced by T.
Protein change: p.Asn856Ile; replaces asparagine 856 with isoleucine.
Molecular consequence: missense variant.
Genome position (GRCh38, 1-based): chr5:150,120,907, T>A on the plus strand (A>T on the coding strand, the complement: PDGFRB is on the minus strand). VCF-style: chr5-150120907-T-A. GRCh37 (hg19) VCF-style: chr5-149500470-T-A.
Other names: c.2375A>T, p.Asn792Ile (NM_001355016.2); c.2084A>T, p.Asn695Ile (NM_001355017.2); short protein forms N695I, N792I, N856I.
Identifiers: ClinVar variation 3773730 (VCV003773730.2).
Genomic context (GRCh38, chr5:150,120,907, plus strand): 5'-GGCACTGTGACTGCCCTGCAGGGGCCAGGGAAGGTACTCACGCTGCCTTTGGAGATGTAA[T>A]TCGAGTCCCGCATGATGTCTCGAGCCAGGCCAAAGTCACAGATCTTGACCAGCTTGCCTT-3'
Protein context (NP_002600.1, residues 846-866): GLARDIMRDS[Asn856Ile]YISKGSTFLP